The following is an entry in ClinVar:

ClinVar aggregate classification (germline): Uncertain significance (1 of 4 stars; one submission).

gnomAD v4.1: 1 of 1,613,618 alleles (0.000062%); highest among the groups gnomAD compares: African/African-American, 0.0013%; no homozygotes.

Submission:

Dasa
Classification: Uncertain significance. Last evaluated: 2024-11-05. Review status: criteria provided, single submitter. Criteria: DASA Assertion Criteria. Collection method: clinical testing. Allele origin: germline.
Comment: NM_138736.3(GNAO1):c.962C>T (p.Thr321Ile) is a missense variant that results in the substitution of threonine with isoleucine. This variant is rare in population databases. The currently available literature and clinical evidence are not sufficient to establish a definitive association between this variant and the reported condition. Therefore, this variant is classified as a variant of uncertain significance.

NM_020988.3(GNAO1):c.723+6987C>T

Gene: GNAO1 (G protein subunit alpha o1; plus strand). Cytogenetic location: 16q13.
Variant type: single nucleotide variant.
Coding change: c.723+6987C>T on transcript NM_020988.3 (MANE Select); 6987 bases into the intron after coding-DNA position 723, C replaced by T.
Molecular consequence: intron variant. On other transcripts: missense variant (1).
Genome position (GRCh38, 1-based): chr16:56,343,847, C>T. VCF-style: chr16-56343847-C-T. GRCh37 (hg19) VCF-style: chr16-56377759-C-T.
Other names: c.962C>T, p.Thr321Ile (NM_138736.3); short protein forms T321I.
Identifiers: ClinVar variation 4883215 (VCV004883215.2).
Genomic context (GRCh38, chr16:56,343,847, plus strand): 5'-TGGCTTACATCCAGGCCCAGTACGAGAGCAAGAACAAGTCAGCCCACAAAGAGATCTACA[C>T]CCACGTCACCTGCGCCACGGACACCAACAACATCCAGTTTGTCTTTGATGCTGTGACGGA-3'